The following is an entry in ClinVar:

ClinVar aggregate classification (germline): Conflicting classifications of pathogenicity. Review status: criteria provided, conflicting classifications (1 of 4 stars). 6 submissions from 6 submitters: Uncertain significance (4); Likely benign (1). 1 of the submissions does not count toward it. Last evaluated 2025-12-24.

Conditions:
Cardiovascular phenotype. Identifiers: MedGen CN230736.
Walker-Warburg congenital muscular dystrophy. Also called: Muscular dystrophy-dystroglycanopathy, type A; Walker-Warburg syndrome. Identifiers: Orphanet 899, MedGen C0265221, MONDO:0000171.

Allele frequency attached by ClinVar (database versions not stated): gnomAD 0.00001; gnomAD exomes 0.00004 and 0.00009; ExAC 0.00005; TOPMed 0.00006.

Submissions (6):

Labcorp Genetics (formerly Invitae), Labcorp
Classification: Likely benign for Walker-Warburg congenital muscular dystrophy. Last evaluated: 2025-12-24. Review status: criteria provided, single submitter. Criteria: Invitae Variant Classification Sherloc (09022015). Collection method: clinical testing. Allele origin: germline.

Ambry Genetics
Classification: Uncertain significance for Cardiovascular phenotype. Last evaluated: 2024-10-08. Review status: criteria provided, single submitter. Criteria: Ambry Variant Classification Scheme 2023. Collection method: clinical testing. Allele origin: germline.
Comment: The p.D148G variant (also known as c.443A>G), located in coding exon 4 of the FKTN gene, results from an A to G substitution at nucleotide position 443. The aspartic acid at codon 148 is replaced by glycine, an amino acid with similar properties. This amino acid position is conserved. In addition, the in silico prediction for this alteration is inconclusive. Since supporting evidence is limited at this time, the clinical significance of this alteration remains unclear.

Revvity Omics, Revvity
Classification: Uncertain significance. Last evaluated: 2024-09-23. Review status: criteria provided, single submitter. Criteria: ACMG Guidelines, 2015. Collection method: clinical testing. Allele origin: germline.

GeneDx
Classification: Uncertain significance. Last evaluated: 2023-04-12. Review status: criteria provided, single submitter. Criteria: GeneDx Variant Classification Process June 2021. Collection method: clinical testing. Allele origin: germline. Affected: yes.
Comment: In silico analysis supports that this missense variant does not alter protein structure/function; Has not been previously published as pathogenic or benign to our knowledge; This variant is associated with the following publications: (PMID: 30564623)

Eurofins Ntd Llc (ga)
Classification: Uncertain significance. Last evaluated: 2016-02-04. Review status: criteria provided, single submitter. Criteria: EGL Classification Definitions 2015. Collection method: clinical testing. Allele origin: germline. Observed: 1 variant allele, 1 heterozygote.

Natera, Inc.
Classification: Uncertain significance for Walker-Warburg congenital muscular dystrophy. Last evaluated: 2019-10-28. Review status: no assertion criteria provided. Collection method: clinical testing. Allele origin: germline. Not counted in ClinVar's aggregate classification.

NM_001079802.2(FKTN):c.443A>G (p.Asp148Gly)

Gene: FKTN (fukutin; plus strand). Cytogenetic location: 9q31.2.
Variant type: single nucleotide variant.
Coding change: c.443A>G on transcript NM_001079802.2 (MANE Select); coding-DNA position 443, A replaced by G.
Protein change: p.Asp148Gly; replaces aspartic acid 148 with glycine.
Molecular consequence: missense variant. On other transcripts: non-coding transcript variant (2).
Genome position (GRCh38, 1-based): chr9:105,604,288, A>G. VCF-style: chr9-105604288-A-G. GRCh37 (hg19) VCF-style: chr9-108366569-A-G.
Other names: c.443A>G, p.Asp148Gly (NM_001198963.2, NM_001351496.2, NM_001351498.2 and 1 more transcripts); c.374A>G, p.Asp125Gly (NM_001351497.2); c.47A>G, p.Asp16Gly (NM_001351499.2, NM_001351500.2, NM_001351501.2 and 1 more transcripts); short protein forms D148G, D125G, D16G.
Identifiers: ClinVar variation 286032 (VCV000286032.19), dbSNP rs773305645, ClinGen allele CA5170413.